The following is an entry in ClinVar:

NM_020708.5(SLC12A5):c.1431C>T (p.Gly477=)

Gene: SLC12A5 (solute carrier family 12 member 5; plus strand). Cytogenetic location: 20q13.12.
Variant type: single nucleotide variant.
Coding change: c.1431C>T on transcript NM_020708.5 (MANE Select); coding-DNA position 1431, C replaced by T.
Protein change: p.Gly477=; no amino-acid change (glycine 477 retained).
Molecular consequence: synonymous variant.
Genome position (GRCh38, 1-based): chr20:46,045,002, C>T. VCF-style: chr20-46045002-C-T. GRCh37 (hg19) VCF-style: chr20-44673641-C-T.
Other names: c.1500C>T, p.Gly500= (NM_001134771.2).
Identifiers: ClinVar variation 542324 (VCV000542324.18), dbSNP rs538711126, ClinGen allele CA9887352.
Genomic context (GRCh38, chr20:46,045,002, plus strand): 5'-CATCTCCTGTCCACATCATTCCAGGTTTGGCGAAGCTGTGAATGGCAACCTCGTGGTGGG[C>T]ACTCTGGCCTGGCCATCTCCATGGGTAATTGTCATCGGATCCTTCTTCTCCACCTGTGGG-3'
Protein context (NP_065759.1, residues 467-487): GEAVNGNLVV[Gly477=]TLAWPSPWVI

ClinVar aggregate classification (germline): Benign/Likely benign. Review status: criteria provided, multiple submitters, no conflicts (2 of 4 stars). 2 submissions from 2 submitters: Benign (1); Likely benign (1). Last evaluated 2026-09-01.

Conditions:
Developmental and epileptic encephalopathy, 34 (DEE34). Also called: SLC12A5-Related Epilepsy of Infancy with Migrating Focal Seizures; Early infantile epileptic encephalopathy 34. Identifiers: Orphanet 293181, MedGen C4225257, MONDO:0014718, OMIM 616645.

Allele frequency attached by ClinVar (database versions not stated): gnomAD exomes 0.00014 and 0.00069; 1000 Genomes Project 30x 0.00016; 1000 Genomes Project 0.00020; ExAC 0.00051; gnomAD 0.00052 and 0.00054; TOPMed 0.00064.
gnomAD v4.1: 282 of 1,614,186 alleles (0.017%); highest among the groups gnomAD compares: Admixed American, 0.45%; 2 homozygotes.

Submissions (2):

CeGaT Center for Human Genetics Tuebingen
Classification: Likely benign. Last evaluated: 2026-09-01. Review status: criteria provided, single submitter. Criteria: CeGaT Center For Human Genetics Tuebingen Variant Classification Criteria Version 2. Collection method: clinical testing. Allele origin: germline. Affected: yes. Observed: 4 variant alleles.
Comment: SLC12A5: BP4, BP7

Labcorp Genetics (formerly Invitae), Labcorp
Classification: Benign for Developmental and epileptic encephalopathy, 34. Last evaluated: 2026-01-26. Review status: criteria provided, single submitter. Criteria: Invitae Variant Classification Sherloc (09022015). Collection method: clinical testing. Allele origin: germline.